The following is an entry in ClinVar:

ClinVar aggregate classification (germline): Uncertain significance. Review status: criteria provided, multiple submitters, no conflicts (2 of 4 stars). 3 submissions from 3 submitters: Uncertain significance (2). 1 of the submissions does not count toward it. Last evaluated 2025-09-18.

Allele frequency attached by ClinVar (database versions not stated): TOPMed 0.00002; gnomAD exomes 0.00010 and 0.00018; gnomAD 0.00016 and 0.00017; ExAC 0.00028.
gnomAD v4.1: 174 of 1,607,138 alleles (0.011%); highest among the groups gnomAD compares: East Asian, 0.047%; no homozygotes.

Submissions (3):

GeneDx
Classification: Uncertain significance. Last evaluated: 2025-09-18. Review status: criteria provided, single submitter. Criteria: GeneDx Variant Classification Process June 2021. Collection method: clinical testing. Allele origin: germline.
Comment: In silico analysis supports that this missense variant has a deleterious effect on protein structure/function; Has not been previously published as pathogenic or benign to our knowledge

Blueprint Genetics
Classification: Uncertain significance. Last evaluated: 2024-08-14. Review status: criteria provided, single submitter. Criteria: ACMG Guidelines, 2015. Collection method: clinical testing. Allele origin: germline.

Department of Pathology and Laboratory Medicine, Sinai Health System
Classification: Uncertain significance. Review status: no assertion criteria provided. Collection method: clinical testing. Allele origin: unknown. Affected: yes. Study: The Canadian Open Genetics Repository (COGR). Not counted in ClinVar's aggregate classification.
Comment: The MYO15A p.I2304T variant was not identified in the literature nor was it identified in Clinvar. The variant was identified in dbSNP (ID: rs199587101) and in control databases in 50 of 265314 chromosomes at a frequency of 0.0001885 (Genome Aggregation Database March 6, 2019, v2.1.1). The p.I2304 residue is conserved in mammals and computational analyses (MUT Assesor, PolyPhen-2, SIFT, MutationTaster, Revel, FATHMM, MetaLR, DANN) suggest that the variant may impact the protein; however this information is not predictive enough to assume pathogenicity. The variant occurs outside of the splicing consensus sequence and in silico or computational prediction software programs (Splice AI exome) do not predict a deleterious effect on splicing. In summary, based on the above information the clinical significance of this variant cannot be determined with certainty at this time. This variant is classified as a variant of uncertain significance.

NM_016239.4(MYO15A):c.6911T>C (p.Ile2304Thr)

Gene: MYO15A (myosin XVA; plus strand). Cytogenetic location: 17p11.2.
Variant type: single nucleotide variant.
Coding change: c.6911T>C on transcript NM_016239.4 (MANE Select); coding-DNA position 6911, T replaced by C.
Protein change: p.Ile2304Thr; replaces isoleucine 2304 with threonine.
Molecular consequence: missense variant.
Genome position (GRCh38, 1-based): chr17:18,148,907, T>C. VCF-style: chr17-18148907-T-C. GRCh37 (hg19) VCF-style: chr17-18052221-T-C.
Other names: c.6911T>C (NM_016239.3); short protein forms I2304T.
Identifiers: ClinVar variation 1050393 (VCV001050393.3), dbSNP rs199587101, ClinGen allele CA8424687.
Genomic context (GRCh38, chr17:18,148,907, plus strand): 5'-TAGACCTGGTGTCGGACCTGGAGCTGCTCAGGGACTTCCCTCGACAGAAGTCCTACTTCA[T>C]TGTGGGCACAGAGGGGCCTGCAGCCAGCAGGGGAGGCCCCAAAGTGTAGGTAGCTATGGG-3'
Protein context (NP_057323.3, residues 2294-2314): RDFPRQKSYF[Ile2304Thr]VGTEGPAASR